The following is an entry in ClinVar:

NM_198253.3(TERT):c.3122C>T (p.Ser1041Phe)

Gene: TERT (telomerase reverse transcriptase; minus strand). Cytogenetic location: 5p15.33.
Variant type: single nucleotide variant.
Coding change: c.3122C>T on transcript NM_198253.3 (MANE Select); coding-DNA position 3122, C replaced by T.
Protein change: p.Ser1041Phe; replaces serine 1041 with phenylalanine.
Molecular consequence: missense variant. On other transcripts: non-coding transcript variant (2).
Genome position (GRCh38, 1-based): chr5:1,255,322, G>A on the plus strand (C>T on the coding strand, the complement: TERT is on the minus strand). VCF-style: chr5-1255322-G-A. GRCh37 (hg19) VCF-style: chr5-1255437-G-A.
Other names: c.2933C>T, p.Ser978Phe (NM_001193376.3); short protein forms S978F, S1041F.
Identifiers: ClinVar variation 1507590 (VCV001507590.8), dbSNP rs2126562513, ClinGen allele CA359068107.

ClinVar aggregate classification (germline): Uncertain significance (1 of 4 stars; one submission).

Conditions:
Idiopathic Pulmonary Fibrosis. Also called: Idiopathic fibrosing alveolitis, chronic form; idiopathic fibrosing alveolitis. Identifiers: Orphanet 2032, MedGen C1800706, MeSH D054990, MONDO:0800504.
Dyskeratosis congenita, autosomal dominant 2. Identifiers: MedGen C3151443, MONDO:0013521, OMIM 613989.

Allele frequency attached by ClinVar (database versions not stated): gnomAD exomes below 0.00001.
gnomAD v4.1: 1 of 1,614,224 alleles (0.000062%); highest among the groups gnomAD compares: Non-Finnish European, 0.000085%; no homozygotes.

Submission:

Labcorp Genetics (formerly Invitae), Labcorp
Classification: Uncertain significance for Dyskeratosis congenita, autosomal dominant 2; Idiopathic Pulmonary Fibrosis. Last evaluated: 2026-01-05. Review status: criteria provided, single submitter. Criteria: Invitae Variant Classification Sherloc (09022015). Collection method: clinical testing. Allele origin: germline.
Comment: This sequence change replaces serine, which is neutral and polar, with phenylalanine, which is neutral and non-polar, at codon 1041 of the TERT protein (p.Ser1041Phe). This variant is not present in population databases (gnomAD no frequency). This missense change has been observed in individual(s) with myelodysplastic syndrome (PMID: 34019641). ClinVar contains an entry for this variant (Variation ID: 1507590). Invitae Evidence Modeling of protein sequence and biophysical properties (such as structural, functional, and spatial information, amino acid conservation, physicochemical variation, residue mobility, and thermodynamic stability) indicates that this missense variant is expected to disrupt TERT protein function with a positive predictive value of 95%. Experimental studies have shown that this missense change affects TERT function (PMID: 34019641). In summary, the available evidence is currently insufficient to determine the role of this variant in disease. Therefore, it has been classified as a Variant of Uncertain Significance.

Literature cited by the submitters: PubMed 34019641.